The following is an entry in ClinVar:

NM_153252.5(BRWD3):c.4309G>A (p.Ala1437Thr)

Gene: BRWD3 (bromodomain and WD repeat domain containing 3; minus strand). Cytogenetic location: Xq21.1.
Variant type: single nucleotide variant.
Coding change: c.4309G>A on transcript NM_153252.5 (MANE Select); coding-DNA position 4309, G replaced by A.
Protein change: p.Ala1437Thr; replaces alanine 1437 with threonine.
Molecular consequence: missense variant.
Genome position (GRCh38, 1-based): chrX:80,682,553, C>T on the plus strand (G>A on the coding strand, the complement: BRWD3 is on the minus strand). VCF-style: chrX-80682553-C-T. GRCh37 (hg19) VCF-style: chrX-79938052-C-T.
Other names: short protein forms A1437T.
Identifiers: ClinVar variation 279712 (VCV000279712.13), dbSNP rs767555361, ClinGen allele CA10461681.
Genomic context (GRCh38, chrX:80,682,553, plus strand): 5'-TGCTGCTGCTTCTTAGACGTTTTCTGTACCGTGGCCTTCTCCTCTTCTGACTCTGGATTG[C>T]TGACTTATATTCAGAGATGATATTTTTGATATGACTTTCAAATAAGGCAGATAATCGCAG-3'
Protein context (NP_694984.5, residues 1427-1447): IKNIISEYKS[Ala1437Thr]IQSQKRRRPR

ClinVar aggregate classification (germline): Conflicting classifications of pathogenicity. Review status: criteria provided, conflicting classifications (1 of 4 stars). 4 submissions from 4 submitters: Uncertain significance (3); Likely benign (1). Last evaluated 2023-12-11.

Conditions:
Inborn genetic diseases. Identifiers: MedGen C0950123, MeSH D030342.

Allele frequency attached by ClinVar (database versions not stated): gnomAD 0.00004; ExAC 0.00001; TOPMed 0.00004; gnomAD exomes 0.00001 and 0.00002.

Submissions (4):

Ambry Genetics
Classification: Uncertain significance for Inborn genetic diseases. Last evaluated: 2023-12-11. Review status: criteria provided, single submitter. Criteria: Ambry Variant Classification Scheme 2023. Collection method: clinical testing. Allele origin: germline.

Labcorp Genetics (formerly Invitae), Labcorp
Classification: Uncertain significance. Last evaluated: 2023-04-23. Review status: criteria provided, single submitter. Criteria: Invitae Variant Classification Sherloc (09022015). Collection method: clinical testing. Allele origin: germline.
Comment: This variant has not been reported in the literature in individuals affected with BRWD3-related conditions. ClinVar contains an entry for this variant (Variation ID: 279712). Advanced modeling of protein sequence and biophysical properties (such as structural, functional, and spatial information, amino acid conservation, physicochemical variation, residue mobility, and thermodynamic stability) performed at Invitae indicates that this missense variant is not expected to disrupt BRWD3 protein function. In summary, the available evidence is currently insufficient to determine the role of this variant in disease. Therefore, it has been classified as a Variant of Uncertain Significance. This sequence change replaces alanine, which is neutral and non-polar, with threonine, which is neutral and polar, at codon 1437 of the BRWD3 protein (p.Ala1437Thr). This variant is present in population databases (rs767555361, gnomAD 0.008%).

GeneDx
Classification: Likely benign. Last evaluated: 2019-05-11. Review status: criteria provided, single submitter. Criteria: GeneDx Variant Classification Process June 2021. Collection method: clinical testing. Allele origin: germline. Affected: yes.
Comment: In silico analysis, which includes protein predictors and evolutionary conservation, supports that this variant does not alter protein structure/function

Eurofins Ntd Llc (ga)
Classification: Uncertain significance. Last evaluated: 2017-05-31. Review status: criteria provided, single submitter. Criteria: EGL Classification Definitions 2015. Collection method: clinical testing. Allele origin: germline. Observed: 1 variant allele, 1 hemizygote.